The following is an entry in ClinVar:

ClinVar aggregate classification (germline): Uncertain significance (1 of 4 stars; one submission).

Conditions:
Mucolipidosis type IV (ML4). Also called: ML IV. Identifiers: Orphanet 578, MedGen C0238286, MONDO:0009653, OMIM 252650.

Submission:

Myriad Genetics, Inc.
Classification: Uncertain significance for Mucolipidosis type IV. Last evaluated: 2026-04-03. Review status: criteria provided, single submitter. Criteria: Myriad Autosomal Dominant, Autosomal Recessive and X-Linked Classification Criteria (2023). Collection method: clinical testing. Allele origin: unknown.
Comment: NM_020533.2(MCOLN1):c.742_744delAAT(N248del) is an in-frame deletion classified as a variant of uncertain significance in the context of mucolipidosis IV. N248del has not been observed in cases with relevant disease. Relevant functional assessments of this variant are not available in the literature. N248del has not been observed in referenced population frequency databases. In summary, there is insufficient evidence to classify NM_020533.2(MCOLN1):c.742_744delAAT(N248del) as pathogenic or benign. Please note: this variant was assessed in the context of healthy population screening.

NM_020533.3(MCOLN1):c.739AAT[1] (p.Asn248del)

Gene: MCOLN1 (mucolipin TRP cation channel 1; plus strand). Cytogenetic location: 19p13.2.
Variant type: Microsatellite.
Coding change: c.739AAT[1] on transcript NM_020533.3 (MANE Select); one copy of the 3-base unit AAT starting at c.739; the reference has two copies in a row; one copy, 3 bases deleted.
Protein change: p.Asn248del; deletes asparagine 248.
Molecular consequence: inframe deletion.
Genome position (GRCh38, 1-based): chr19:7,527,925-7,527,927, AAT deleted; deleting any 3 consecutive bases within chr19:7,527,922-7,527,927 gives the same sequence; the position shown is the placement nearest the transcript's 3' end. VCF-style (leftmost placement, unchanged base first): chr19-7527921-CAAT-C. GRCh37 (hg19) VCF-style: chr19-7592807-CAAT-C.
Other names: short protein forms N248del.
Identifiers: ClinVar variation 5003957 (VCV005003957.1).